The following is an entry in ClinVar:

ClinVar aggregate classification (germline): Pathogenic (1 of 4 stars; one submission).

Submission:

Labcorp Genetics (formerly Invitae), Labcorp
Classification: Pathogenic. Last evaluated: 2023-06-24. Review status: criteria provided, single submitter. Criteria: Invitae Variant Classification Sherloc (09022015). Collection method: clinical testing. Allele origin: germline.
Comment: For these reasons, this variant has been classified as Pathogenic. This variant has not been reported in the literature in individuals affected with DNAH9-related conditions. This variant is not present in population databases (gnomAD no frequency). This sequence change creates a premature translational stop signal (p.Phe1241Serfs*52) in the DNAH9 gene. It is expected to result in an absent or disrupted protein product. Loss-of-function variants in DNAH9 are known to be pathogenic (PMID: 30471718).

Literature cited by the submitters: PubMed 30471718.

NM_001372.4(DNAH9):c.3722del (p.Phe1241fs)

Gene: DNAH9 (dynein axonemal heavy chain 9; plus strand). Cytogenetic location: 17p12.
Variant type: Deletion.
Coding change: c.3722del on transcript NM_001372.4 (MANE Select); coding-DNA position 3722, one base deleted (T; older notation c.3722delT).
Protein change: p.Phe1241fs; shifts the reading frame from phenylalanine 1241.
Molecular consequence: frameshift variant.
Genome position (GRCh38, 1-based): chr17:11,680,868, T deleted; the last of 2 consecutive T bases (chr17:11,680,867-11,680,868); deleting either gives the same sequence. VCF-style (leftmost placement, unchanged base first): chr17-11680866-AT-A. GRCh37 (hg19) VCF-style: chr17-11584183-AT-A.
Other names: short protein forms F1241fs.
Identifiers: ClinVar variation 2782624 (VCV002782624.3), dbSNP rs2544389952, ClinGen allele CA2739267150.